The following is an entry in ClinVar:

NM_000344.4(SMN1):c.835-18C>T

Gene: SMN1 (survival of motor neuron 1, telomeric). Cytogenetic location: 5q13.2.
Variant type: single nucleotide variant.
Coding change: c.835-18C>T on transcript NM_000344.4 (MANE Select); 18 bases into the intron before coding-DNA position 835, C replaced by T.
Molecular consequence: intron variant.
Genome position (GRCh38, 1-based): chr5:70,951,923, C>T. VCF-style: chr5-70951923-C-T. GRCh37 (hg19) VCF-style: chr5-70247750-C-T.
Other names: c.835-516C>T (NM_001297715.1); c.739-18C>T (NM_022874.2).
Identifiers: ClinVar variation 495823 (VCV000495823.2), dbSNP rs1554082373, ClinGen allele CA658683389.
Genomic context (GRCh38, chr5:70,951,923, plus strand): 5'-ATCCATATAAAGCTATCTATATATAGCTATCTATGTCTATATAGCTATTTTTTTTAACTT[C>T]CTTTATTTTCCTTACAGGGTTTCAGACAAAATCAAAAAGAAGGAAGGTGCTCACATTCCT-3'

ClinVar aggregate classification (germline): Uncertain significance (1 of 4 stars; one submission).

Submission:

Women's Health and Genetics/Laboratory Corporation of America, LabCorp
Classification: Uncertain significance. Last evaluated: 2019-11-12. Review status: criteria provided, single submitter. Criteria: LabCorp Variant Classification Summary - May 2015. Collection method: clinical testing. Allele origin: germline.
Comment: Variant summary: SMN1 c.835-18C>T alters a non-conserved nucleotide located close to a canonical splice site and therefore could affect mRNA splicing, leading to a significantly altered protein sequence. 5/5 computational tools predict no significant impact on normal splicing. However, these predictions have yet to be confirmed by functional studies. The variant was absent in 247454 control chromosomes (gnomAD). The available data on variant occurrences in the general population are insufficient to allow any conclusion about variant significance. To our knowledge, no occurrence of c.835-18C>T in individuals affected with Spinal Muscular Atrophy and no experimental evidence demonstrating its impact on protein function have been reported. No other clinical diagnostic laboratories have submitted clinical-significance assessments for this variant to ClinVar after 2014. Based on the evidence outlined above, the variant was classified as uncertain significance.